The following is an entry in ClinVar:

NM_006015.6(ARID1A):c.4432C>T (p.Pro1478Ser)

Gene: ARID1A (AT-rich interaction domain 1A; plus strand). Cytogenetic location: 1p36.11.
Variant type: single nucleotide variant.
Coding change: c.4432C>T on transcript NM_006015.6 (MANE Select); coding-DNA position 4432, C replaced by T.
Protein change: p.Pro1478Ser; replaces proline 1478 with serine.
Molecular consequence: missense variant. On other transcripts: intron variant (1).
Genome position (GRCh38, 1-based): chr1:26,774,659, C>T. VCF-style: chr1-26774659-C-T. GRCh37 (hg19) VCF-style: chr1-27101150-C-T.
Other names: c.4102-321C>T (NM_139135.4); short protein forms P1478S.
Identifiers: ClinVar variation 4777867 (VCV004777867.1).
Genomic context (GRCh38, chr1:26,774,659, plus strand): 5'-CAGTTTGGCCGAGACCGTGTCTCTGCACCCCCTGGCACCAATGCCCAGCAAAACATGCCA[C>T]CACAAATGATGGGCGGCCCCATACAGGCATCAGCTGAGGTTGCTCAGCAAGGCACCATGT-3'
Protein context (NP_006006.3, residues 1468-1488): PGTNAQQNMP[Pro1478Ser]QMMGGPIQAS

ClinVar aggregate classification (germline): Uncertain significance (1 of 4 stars; one submission).

Submission:

Labcorp Genetics (formerly Invitae), Labcorp
Classification: Uncertain significance. Last evaluated: 2025-12-10. Review status: criteria provided, single submitter. Criteria: Invitae Variant Classification Sherloc (09022015). Collection method: clinical testing. Allele origin: germline.
Comment: This sequence change replaces proline, which is neutral and non-polar, with serine, which is neutral and polar, at codon 1478 of the ARID1A protein (p.Pro1478Ser). This variant is not present in population databases (gnomAD no frequency). This variant has not been reported in the literature in individuals affected with ARID1A-related conditions. Invitae Evidence Modeling of protein sequence and biophysical properties (such as structural, functional, and spatial information, amino acid conservation, physicochemical variation, residue mobility, and thermodynamic stability) indicates that this missense variant is not expected to disrupt ARID1A protein function with a negative predictive value of 80%. In summary, the available evidence is currently insufficient to determine the role of this variant in disease. Therefore, it has been classified as a Variant of Uncertain Significance.